The following is an entry in ClinVar:

NM_004963.4(GUCY2C):c.1365-3C>T

Gene: GUCY2C (guanylate cyclase 2C; minus strand). Cytogenetic location: 12p12.3.
Variant type: single nucleotide variant.
Coding change: c.1365-3C>T on transcript NM_004963.4 (MANE Select); 3 bases into the intron before coding-DNA position 1365, C replaced by T.
Molecular consequence: intron variant.
Genome position (GRCh38, 1-based): chr12:14,656,620, G>A on the plus strand (C>T on the coding strand, the complement: GUCY2C is on the minus strand). VCF-style: chr12-14656620-G-A. GRCh37 (hg19) VCF-style: chr12-14809554-G-A.
Identifiers: ClinVar variation 2824417 (VCV002824417.3), dbSNP rs757056143, ClinGen allele CA6463439.

ClinVar aggregate classification (germline): Uncertain significance (1 of 4 stars; one submission).

Allele frequency attached by ClinVar (database versions not stated): ExAC 0.00001.

Submission:

Labcorp Genetics (formerly Invitae), Labcorp
Classification: Uncertain significance. Last evaluated: 2022-12-26. Review status: criteria provided, single submitter. Criteria: Invitae Variant Classification Sherloc (09022015). Collection method: clinical testing. Allele origin: germline.
Comment: This sequence change falls in intron 11 of the GUCY2C gene. It does not directly change the encoded amino acid sequence of the GUCY2C protein. It affects a nucleotide within the consensus splice site. This variant is present in population databases (rs757056143, gnomAD 0.006%). This variant has not been reported in the literature in individuals affected with GUCY2C-related conditions. Variants that disrupt the consensus splice site are a relatively common cause of aberrant splicing (PMID: 17576681, 9536098). Algorithms developed to predict the effect of sequence changes on RNA splicing suggest that this variant may disrupt the consensus splice site. In summary, the available evidence is currently insufficient to determine the role of this variant in disease. Therefore, it has been classified as a Variant of Uncertain Significance.

Literature cited by the submitters: PubMed 17576681; PubMed 9536098.